The following is an entry in ClinVar:

ClinVar aggregate classification (germline): Uncertain significance (1 of 4 stars; one submission).

Conditions:
MAX-related disorder. Also called: MAX-related condition.

Submission:

PreventionGenetics, part of Exact Sciences
Classification: Uncertain significance for MAX-related condition. Last evaluated: 2023-08-11. Review status: criteria provided, single submitter. Criteria: ACMG Guidelines, 2015. Collection method: clinical testing. Allele origin: germline.
Comment: The MAX c.171+17234C>T variant is predicted to interfere with splicing. This variant is referred to as c.*2C>T (post-coding) with an alternate transcript NM_002382. To our knowledge, this variant has not been reported in the literature or in a large population database, indicating this variant is rare. However, the use of computer prediction programs is not equivalent to functional evidence, and therefore the clinical significance of this variant is uncertain.

NM_002382.5(MAX):c.*2C>T

Gene: MAX (MYC associated factor X; minus strand). Cytogenetic location: 14q23.3.
Variant type: single nucleotide variant.
Coding change: c.*2C>T on transcript NM_002382.5 (MANE Select); 2 bases downstream of the stop codon, C replaced by T.
Molecular consequence: 3 prime UTR variant. On other transcripts: non-coding transcript variant (7), intron variant (2).
Genome position (GRCh38, 1-based): chr14:65,076,474, G>A on the plus strand (C>T on the coding strand, the complement: MAX is on the minus strand). VCF-style: chr14-65076474-G-A. GRCh37 (hg19) VCF-style: chr14-65543192-G-A.
Other names: c.*2C>T (NM_001320415.2, NM_001407094.1, NM_001407095.1 and 7 more transcripts); c.*258C>T (NM_001407096.1, NM_001407099.1, NM_001407102.1 and 2 more transcripts); c.*274C>T (NM_001407097.1, NM_001407100.1, NM_001407101.1 and 4 more transcripts); c.144+17234C>T (NM_001271069.2); c.171+17234C>T (NM_197957.4).
Identifiers: ClinVar variation 2631349 (VCV002631349.1), dbSNP rs2139738950, ClinGen allele CA390030969.